The following is an entry in ClinVar:

NM_212482.4(FN1):c.5101G>A (p.Val1701Ile)

Gene: FN1 (fibronectin 1; minus strand). Cytogenetic location: 2q35.
Variant type: single nucleotide variant.
Coding change: c.5101G>A on transcript NM_212482.4 (MANE Select); coding-DNA position 5101, G replaced by A.
Protein change: p.Val1701Ile; replaces valine 1701 with isoleucine.
Molecular consequence: missense variant.
Genome position (GRCh38, 1-based): chr2:215,382,275, C>T on the plus strand (G>A on the coding strand, the complement: FN1 is on the minus strand). VCF-style: chr2-215382275-C-T. GRCh37 (hg19) VCF-style: chr2-216246998-C-T.
Other names: c.5101G>A, p.Val1701Ile (NM_001306129.2, NM_001306130.2, NM_001365517.2 and 3 more transcripts); c.4828G>A, p.Val1610Ile (NM_001306131.2, NM_001306132.2, NM_001365518.2 and 7 more transcripts); short protein forms V1610I, V1701I.
Identifiers: ClinVar variation 2837199 (VCV002837199.3), dbSNP rs2469551164, ClinGen allele CA350476336.

ClinVar aggregate classification (germline): Uncertain significance (1 of 4 stars; one submission).

Submission:

Labcorp Genetics (formerly Invitae), Labcorp
Classification: Uncertain significance. Last evaluated: 2023-10-12. Review status: criteria provided, single submitter. Criteria: Invitae Variant Classification Sherloc (09022015). Collection method: clinical testing. Allele origin: germline.
Comment: This sequence change replaces valine, which is neutral and non-polar, with isoleucine, which is neutral and non-polar, at codon 1701 of the FN1 protein (p.Val1701Ile). This variant is not present in population databases (gnomAD no frequency). This variant has not been reported in the literature in individuals affected with FN1-related conditions. Algorithms developed to predict the effect of missense changes on protein structure and function output the following: SIFT: "Not Available"; PolyPhen-2: "Benign"; Align-GVGD: "Not Available". The isoleucine amino acid residue is found in multiple mammalian species, which suggests that this missense change does not adversely affect protein function. In summary, the available evidence is currently insufficient to determine the role of this variant in disease. Therefore, it has been classified as a Variant of Uncertain Significance.